The following is an entry in ClinVar:

NM_001281956.2(CSMD2):c.3450G>C (p.Leu1150=)

Gene: CSMD2 (CUB and Sushi multiple domains 2; minus strand). Cytogenetic location: 1p35.1.
Variant type: single nucleotide variant.
Coding change: c.3450G>C on transcript NM_001281956.2 (MANE Select); coding-DNA position 3450, G replaced by C.
Protein change: p.Leu1150=; no amino-acid change (leucine 1150 retained).
Molecular consequence: synonymous variant.
Genome position (GRCh38, 1-based): chr1:33,709,215, C>G on the plus strand (G>C on the coding strand, the complement: CSMD2 is on the minus strand). VCF-style: chr1-33709215-C-G. GRCh37 (hg19) VCF-style: chr1-34174815-C-G.
Other names: c.3330G>C, p.Leu1110= (NM_052896.5).
Identifiers: ClinVar variation 2638633 (VCV002638633.24), dbSNP rs2525017629, ClinGen allele CA417118989.

ClinVar aggregate classification (germline): Likely benign (1 of 4 stars; one submission).

gnomAD v4.1: 2 of 1,614,002 alleles (0.00012%); highest among the groups gnomAD compares: Non-Finnish European, 0.00017%; no homozygotes.

Submission:

CeGaT Center for Human Genetics Tuebingen
Classification: Likely benign. Last evaluated: 2023-01-01. Review status: criteria provided, single submitter. Criteria: CeGaT Center For Human Genetics Tuebingen Variant Classification Criteria Version 2. Collection method: clinical testing. Allele origin: germline. Affected: yes. Observed: 1 variant allele.
Comment: CSMD2: PM2:Supporting, BP4, BP7